The following is an entry in ClinVar:

NM_000038.6(APC):c.3875C>A (p.Thr1292Lys)

Gene: APC (APC regulator of Wnt signaling pathway; plus strand). Cytogenetic location: 5q22.2.
Variant type: single nucleotide variant.
Coding change: c.3875C>A on transcript NM_000038.6 (MANE Select); coding-DNA position 3875, C replaced by A.
Protein change: p.Thr1292Lys; replaces threonine 1292 with lysine.
Molecular consequence: missense variant.
Genome position (GRCh38, 1-based): chr5:112,839,469, C>A. VCF-style: chr5-112839469-C-A. GRCh37 (hg19) VCF-style: chr5-112175166-C-A.
Other names: c.3875C>A, p.Thr1292Lys (NM_001127510.3, NM_001354895.2, NM_001407450.1); c.3821C>A, p.Thr1274Lys (NM_001127511.3); c.3929C>A, p.Thr1310Lys (NM_001354896.2, NM_001407447.1, NM_001407448.1 and 1 more transcripts); c.3959C>A, p.Thr1320Lys (NM_001407446.1); c.3854C>A, p.Thr1285Lys (NM_001407451.1); c.3845C>A, p.Thr1282Lys (NM_001407452.1); c.3698C>A, p.Thr1233Lys (NM_001407453.1, NM_001354901.2); c.3626C>A, p.Thr1209Lys (NM_001407454.1, NM_001407455.1, NM_001407456.1 and 1 more transcripts); and 11 more; short protein forms T1132K, T1285K, T1320K, T1251K, T1282K, T1292K, T1302K, T1009K.
Identifiers: ClinVar variation 1735743 (VCV001735743.2), dbSNP rs371113837, ClinGen allele CA16029836.
Genomic context (GRCh38, chr5:112,839,469, plus strand): 5'-CAAGATGTAGTTCATTATCATCTTTGTCATCAGCTGAAGATGAAATAGGATGTAATCAGA[C>A]GACACAGGAAGCAGATTCTGCTAATACCCTGCAAATAGCAGAAATAAAAGAAAAGATTGG-3'
Protein context (NP_000029.2, residues 1282-1302): SAEDEIGCNQ[Thr1292Lys]TQEADSANTL

ClinVar aggregate classification (germline): Uncertain significance (1 of 4 stars; one submission).

Conditions:
Hereditary cancer-predisposing syndrome. Also called: Neoplastic Syndromes, Hereditary; Tumor predisposition; Hereditary Cancer Syndrome; Hereditary neoplastic syndrome. Identifiers: Orphanet 140162, MedGen C0027672, MeSH D009386, MONDO:0015356.

gnomAD v4.1: 1 of 1,614,132 alleles (0.000062%); no homozygotes.

Submission:

Ambry Genetics
Classification: Uncertain significance for Hereditary cancer-predisposing syndrome. Last evaluated: 2021-08-02. Review status: criteria provided, single submitter. Criteria: Ambry Variant Classification Scheme 2023. Collection method: clinical testing. Allele origin: germline.
Comment: The p.T1292K variant (also known as c.3875C>A), located in coding exon 15 of the APC gene, results from a C to A substitution at nucleotide position 3875. The threonine at codon 1292 is replaced by lysine, an amino acid with similar properties. This amino acid position is not well conserved in available vertebrate species. In addition, in silico predictors for this gene do not accurately predict pathogenicity. Since supporting evidence is limited at this time, the clinical significance of this alteration remains unclear.